The following is an entry in ClinVar:

ClinVar aggregate classification (germline): Pathogenic (1 of 4 stars; one submission).

Conditions:
Telangiectasia, hereditary hemorrhagic, type 2 (HHT2). Also called: Telangiectasia, hereditary hemorrhagic, type II; ACVRL1-Related Hereditary Hemorrhagic Telangiectasia. Identifiers: Orphanet 774, MedGen C1838163, MONDO:0010880, OMIM 600376. Disease mechanism: loss of function.

Submission:

Labcorp Genetics (formerly Invitae), Labcorp
Classification: Pathogenic for Telangiectasia, hereditary hemorrhagic, type 2. Last evaluated: 2025-07-22. Review status: criteria provided, single submitter. Criteria: Invitae Variant Classification Sherloc (09022015). Collection method: clinical testing. Allele origin: germline.
Comment: This sequence change creates a premature translational stop signal (p.Glu159Valfs*9) in the ACVRL1 gene. It is expected to result in an absent or disrupted protein product. Loss-of-function variants in ACVRL1 are known to be pathogenic (PMID: 15879500). This variant is not present in population databases (gnomAD no frequency). This premature translational stop signal has been observed in individual(s) with hereditary hemorrhagic telangiectasia (PMID: 17786384). For these reasons, this variant has been classified as Pathogenic.

Literature cited by the submitters: PubMed 15879500; PubMed 17786384.

NM_000020.3(ACVRL1):c.476_477del (p.Glu159fs)

Gene: ACVRL1 (activin A receptor like type 1; plus strand). Cytogenetic location: 12q13.13.
Variant type: Microsatellite.
Coding change: c.476_477del on transcript NM_000020.3 (MANE Select); coding-DNA positions 476 to 477, 2 bases deleted (AG; older notation c.476_477delAG).
Protein change: p.Glu159fs; shifts the reading frame from glutamic acid 159.
Molecular consequence: frameshift variant. On other transcripts: intron variant (6).
Genome position (GRCh38, 1-based): chr12:51,913,721-51,913,722, AG deleted; deleting any 2 consecutive bases within chr12:51,913,718-51,913,722 gives the same sequence; the c. name uses the placement nearest the transcript's 3' end. VCF-style (leftmost placement, unchanged base first): chr12-51913717-GGA-G. GRCh37 (hg19) VCF-style: chr12-52307501-GGA-G.
Other names: c.476_477del, p.Glu159fs (NM_001077401.2, NM_001406487.1, NM_001406488.1 and 1 more transcripts); c.313+371_313+372del (NM_001406491.1, NM_001406490.1, NM_001406492.1 and 2 more transcripts); c.62-718_62-717del (NM_001406495.1); short protein forms E159fs.
Identifiers: ClinVar variation 4709967 (VCV004709967.1).